The following is an entry in ClinVar:

ClinVar aggregate classification (germline): Uncertain significance (1 of 4 stars; one submission).

Allele frequency attached by ClinVar (database versions not stated): gnomAD exomes 0.00002 and 0.00005; TOPMed 0.00004.
gnomAD v4.1: 31 of 1,503,956 alleles (0.0021%); highest among the groups gnomAD compares: Middle Eastern, 0.017%; no homozygotes.

Submission:

Labcorp Genetics (formerly Invitae), Labcorp
Classification: Uncertain significance. Last evaluated: 2022-07-17. Review status: criteria provided, single submitter. Criteria: Invitae Variant Classification Sherloc (09022015). Collection method: clinical testing. Allele origin: germline.
Comment: This sequence change falls in intron 9 of the LRRC56 gene. It does not directly change the encoded amino acid sequence of the LRRC56 protein. It affects a nucleotide within the consensus splice site. This variant is present in population databases (rs759905000, gnomAD 0.01%). This variant has not been reported in the literature in individuals affected with LRRC56-related conditions. ClinVar contains an entry for this variant (Variation ID: 1501429). Variants that disrupt the consensus splice site are a relatively common cause of aberrant splicing (PMID: 17576681, 9536098). Algorithms developed to predict the effect of sequence changes on RNA splicing suggest that this variant may disrupt the consensus splice site. In summary, the available evidence is currently insufficient to determine the role of this variant in disease. Therefore, it has been classified as a Variant of Uncertain Significance.

Literature cited by the submitters: PubMed 17576681; PubMed 9536098.

NM_198075.4(LRRC56):c.796+5G>A

Gene: LRRC56 (leucine rich repeat containing 56; plus strand). Cytogenetic location: 11p15.5.
Variant type: single nucleotide variant.
Coding change: c.796+5G>A on transcript NM_198075.4 (MANE Select); 5 bases into the intron after coding-DNA position 796, G replaced by A.
Molecular consequence: intron variant.
Genome position (GRCh38, 1-based): chr11:551,307, G>A. VCF-style: chr11-551307-G-A. GRCh37 (hg19) VCF-style: chr11-551307-G-A.
Identifiers: ClinVar variation 1501429 (VCV001501429.3), dbSNP rs759905000, ClinGen allele CA5779818.
Genomic context (GRCh38, chr11:551,307, plus strand): 5'-GGACTGGCTTGCGGTGAAGGAGGCCATCAAGAAGGGCAACGGCCTTCCCCCGCTGGGTAC[G>A]GCAGCTGCGCCCGGAGGACCCACTGCTGAGCCCCAGCTCCCCCCAGGAAGAGGCCCCCAC-3'